The following is an entry in ClinVar:

NM_001308210.2(TSHZ1):c.2624C>T (p.Ala875Val)

Gene: TSHZ1 (teashirt zinc finger homeobox 1; plus strand). Cytogenetic location: 18q22.3.
Variant type: single nucleotide variant.
Coding change: c.2624C>T on transcript NM_001308210.2 (MANE Select); coding-DNA position 2624, C replaced by T.
Protein change: p.Ala875Val; replaces alanine 875 with valine.
Molecular consequence: missense variant.
Genome position (GRCh38, 1-based): chr18:75,288,031, C>T. VCF-style: chr18-75288031-C-T. GRCh37 (hg19) VCF-style: chr18-72999986-C-T.
Other names: c.2489C>T, p.Ala830Val (NM_005786.6); short protein forms A875V, A830V.
Identifiers: ClinVar variation 3811432 (VCV003811432.2).
Genomic context (GRCh38, chr18:75,288,031, plus strand): 5'-CCTCCACGCCCTCCACAGTTTCAGAGAAGTCCGATGCTGATGGCAGCAGCTTTGAGGAGG[C>T]GTTGGACGAGCTGTCACCGGTCCACAAGAGGAAGGGCCGGCAGTCCAACTGGAACCCGCA-3'
Protein context (NP_001295139.1, residues 865-885): SDADGSSFEE[Ala875Val]LDELSPVHKR

ClinVar aggregate classification (germline): Uncertain significance. Review status: criteria provided, multiple submitters, no conflicts (2 of 4 stars). 2 submissions from 2 submitters: Uncertain significance (2). Last evaluated 2026-05-04.

gnomAD v4.1: 149 of 1,613,986 alleles (0.0092%); highest among the groups gnomAD compares: South Asian, 0.019%; no homozygotes.

Submissions (2):

Women's Health and Genetics/Laboratory Corporation of America, LabCorp
Classification: Uncertain significance. Last evaluated: 2026-05-04. Review status: criteria provided, single submitter. Criteria: LabCorp Variant Classification Summary - May 2015. Collection method: clinical testing. Allele origin: germline.
Comment: Variant summary: TSHZ1 c.2489C>T (p.Ala830Val) results in a non-conservative amino acid change in the encoded protein sequence. Algorithms developed to predict the effect of missense changes on protein structure and function are either unavailable or do not agree on the potential impact of this missense change. The variant allele was found at a frequency of 4.8e-05 in 251042 control chromosomes. This frequency is not significantly higher than estimated for disease-causing variants in TSHZ1, allowing no conclusion about variant significance. To our knowledge, no occurrence of c.2489C>T in individuals affected with TSHZ1-related conditions and no experimental evidence demonstrating its impact on protein function have been reported. ClinVar contains an entry for this variant (Variation ID: 3811432). Based on the evidence outlined above, the variant was classified as uncertain significance.

Ambry Genetics
Classification: Uncertain significance. Last evaluated: 2025-02-08. Review status: criteria provided, single submitter. Criteria: Ambry Variant Classification Scheme 2023. Collection method: clinical testing. Allele origin: germline.